The following is an entry in ClinVar:

NM_001113378.2(FANCI):c.511C>T (p.Gln171Ter)

Gene: FANCI (FA complementation group I; plus strand). Cytogenetic location: 15q26.1.
Variant type: single nucleotide variant.
Coding change: c.511C>T on transcript NM_001113378.2 (MANE Select); coding-DNA position 511, C replaced by T.
Protein change: p.Gln171Ter; replaces glutamine 171 with a stop codon.
Molecular consequence: nonsense.
Genome position (GRCh38, 1-based): chr15:89,263,426, C>T. VCF-style: chr15-89263426-C-T. GRCh37 (hg19) VCF-style: chr15-89806657-C-T.
Other names: c.232C>T, p.Gln78Ter (NM_001376910.1); c.511C>T, p.Gln171Ter (NM_001376911.1, NM_018193.3); c.511C>T (NM_001113378.1); short protein forms Q78*, Q171*.
Identifiers: ClinVar variation 1397747 (VCV001397747.7), dbSNP rs771312042, ClinGen allele CA274538395.

ClinVar aggregate classification (germline): Pathogenic/Likely pathogenic. Review status: criteria provided, multiple submitters, no conflicts (2 of 4 stars). 3 submissions from 3 submitters: Pathogenic (1); Likely pathogenic (2). Last evaluated 2024-02-15.

Conditions:
FANCI-related disorder. Also called: FANCI-related condition.
Fanconi anemia (FA). Also called: Fanconi's anemia. Identifiers: Orphanet 84, MedGen C0015625, MeSH D005199, MONDO:0019391.
Fanconi anemia complementation group I (FANCI). Also called: FANCI-Related Fanconi Anemia. Identifiers: Orphanet 84, MedGen C1836861, MONDO:0012186, OMIM 609053.

Allele frequency attached by ClinVar (database versions not stated): gnomAD exomes below 0.00001; gnomAD 0.00001.
gnomAD v4.1: 38 of 1,612,272 alleles (0.0024%); highest among the groups gnomAD compares: Non-Finnish European, 0.0031%; no homozygotes.

Submissions (3):

Fulgent Genetics
Classification: Likely pathogenic for Fanconi anemia complementation group I. Last evaluated: 2024-02-15. Review status: criteria provided, single submitter. Criteria: ACMG Guidelines, 2015. Collection method: clinical testing. Allele origin: germline.

PreventionGenetics, part of Exact Sciences
Classification: Likely pathogenic for FANCI-related condition. Last evaluated: 2023-06-23. Review status: criteria provided, single submitter. Criteria: ACMG Guidelines, 2015. Collection method: clinical testing. Allele origin: germline.
Comment: The FANCI c.511C>T variant is predicted to result in premature protein termination (p.Gln171*). To our knowledge, this variant has not been reported in the literature. This variant is reported in a single heterozygous individual of unknown descent in gnomAD. Nonsense variants in FANCI are expected to be pathogenic. This variant is interpreted as likely pathogenic.

Labcorp Genetics (formerly Invitae), Labcorp
Classification: Pathogenic for Fanconi anemia. Last evaluated: 2023-06-02. Review status: criteria provided, single submitter. Criteria: Invitae Variant Classification Sherloc (09022015). Collection method: clinical testing. Allele origin: germline.
Comment: For these reasons, this variant has been classified as Pathogenic. ClinVar contains an entry for this variant (Variation ID: 1397747). This variant has not been reported in the literature in individuals affected with FANCI-related conditions. This variant is present in population databases (rs771312042, gnomAD no frequency). This sequence change creates a premature translational stop signal (p.Gln171*) in the FANCI gene. It is expected to result in an absent or disrupted protein product. Loss-of-function variants in FANCI are known to be pathogenic (PMID: 17452773, 17460694).

Literature cited by the submitters: PubMed 17452773 (cited by Labcorp Genetics (formerly Invitae), Labcorp); PubMed 17460694 (cited by Labcorp Genetics (formerly Invitae), Labcorp).